The following is an entry in ClinVar:

NC_000016.10:g.(?_88813734)_(88841972_88842705)del

Genes: GALNS (galactosamine (N-acetyl)-6-sulfatase; minus strand), LOC126862447 (CDK7 strongly-dependent group 2 enhancer GRCh37_chr16:88884193-88885392; plus strand). Cytogenetic location: 16q24.3.
Variant type: Deletion.
Identifiers: ClinVar variation 1048368 (VCV001048368.3).

ClinVar aggregate classification (germline): Pathogenic (1 of 4 stars; one submission).

Conditions:
Mucopolysaccharidosis, MPS-IV-A (MPS4A). Also called: Mucopolysaccharidosis type IV A; Mucopolysaccharidosis Type IVA; Morquio syndrome A, mild; MORQUIO SYNDROME A; MPS IVA; mucopolysaccharidosis type 4A. Identifiers: Orphanet 309297, Orphanet 582, MedGen C0086651, MONDO:0009659, OMIM 253000.

Submission:

Laboratory of Diagnosis and Therapy of Lysosomal Disorders, University of Padova
Classification: Pathogenic for Mucopolysaccharidosis, MPS-IV-A. Last evaluated: 2021-02-01. Review status: criteria provided, single submitter. Criteria: ACMG Guidelines, 2015. Collection method: curation. Allele origin: germline. Affected: yes.
Comment: Multiexon deletion(PVS1_very strong); located in a mutational hot spot and/or critical and well-established functional domain without benign variation (PM1_moderate); absent from gnomAD v2.1.1 (PM2_moderate)

Literature cited by the submitters: PubMed 29426755; PubMed 34387910.